The following is an entry in ClinVar:

ClinVar aggregate classification (germline): Uncertain significance (1 of 4 stars; one submission).

Submission:

Ambry Genetics
Classification: Uncertain significance. Last evaluated: 2026-05-26. Review status: criteria provided, single submitter. Criteria: Ambry Variant Classification Scheme 2023. Collection method: clinical testing. Allele origin: germline.
Comment: The p.D484H variant (also known as c.1450G>C), located in coding exon 8 of the RNF43 gene, results from a G to C substitution at nucleotide position 1450. The aspartic acid at codon 484 is replaced by histidine, an amino acid with similar properties. This amino acid position is conserved. In addition, this alteration is predicted to be tolerated by in silico analysis. Based on the available evidence, the clinical significance of this variant remains unclear.

NM_017763.6(RNF43):c.1450G>C (p.Asp484His)

Gene: RNF43 (ring finger protein 43; minus strand). Cytogenetic location: 17q22.
Variant type: single nucleotide variant.
Coding change: c.1450G>C on transcript NM_017763.6 (MANE Select); coding-DNA position 1450, G replaced by C.
Protein change: p.Asp484His; replaces aspartic acid 484 with histidine.
Molecular consequence: missense variant.
Genome position (GRCh38, 1-based): chr17:58,358,326, C>G on the plus strand (G>C on the coding strand, the complement: RNF43 is on the minus strand). VCF-style: chr17-58358326-C-G. GRCh37 (hg19) VCF-style: chr17-56435687-C-G.
Other names: c.1450G>C, p.Asp484His (NM_001438820.1, NM_001438821.1, NM_001438822.1 and 1 more transcripts); c.1069G>C, p.Asp357His (NM_001305545.2, NM_001437987.1); short protein forms D357H, D484H.
Identifiers: ClinVar variation 4863426 (VCV004863426.1).
Genomic context (GRCh38, chr17:58,358,326, plus strand): 5'-CACTGCTTAGGGAGCTGCAGAAAGTAGAACTGCTGCCATGGACCCCCTGTAGGCTGATGT[C>G]CGTGCAGTTGACCACAGAGTCACTGGAAGAGCCATGACAGGGCCCTGAGCTGGAGTCACT-3'
Protein context (NP_060233.3, residues 474-494): SSSDSVVNCT[Asp484His]ISLQGVHGSS